The following is an entry in ClinVar:

NM_172095.4(CATSPER2):c.652C>G (p.Leu218Val)

Gene: CATSPER2 (cation channel sperm associated 2; minus strand). Cytogenetic location: 15q15.3.
Variant type: single nucleotide variant.
Coding change: c.652C>G on transcript NM_172095.4 (MANE Select); coding-DNA position 652, C replaced by G.
Protein change: p.Leu218Val; replaces leucine 218 with valine.
Molecular consequence: missense variant. On other transcripts: non-coding transcript variant (2).
Genome position (GRCh38, 1-based): chr15:43,639,708, G>C on the plus strand (C>G on the coding strand, the complement: CATSPER2 is on the minus strand). VCF-style: chr15-43639708-G-C. GRCh37 (hg19) VCF-style: chr15-43931906-G-C.
Other names: NC_000015.9:g.43931906G>C; c.652C>G, p.Leu218Val (NM_001282309.3, NM_172096.1); c.670C>G, p.Leu224Val (NM_001282310.2); short protein forms L218V, L224V.
Identifiers: ClinVar variation 2645278 (VCV002645278.25), dbSNP rs11638719, ClinGen allele CA7528852.

ClinVar aggregate classification (germline): Likely benign (1 of 4 stars; one submission).

Allele frequency attached by ClinVar (database versions not stated): 1000 Genomes Project 30x 0.00109; 1000 Genomes Project 0.00120; TOPMed 0.00189; ESP Exome Variant Server 0.00200; gnomAD exomes 0.00393; ExAC 0.00531.
gnomAD v4.1: 6,521 of 1,613,232 alleles (0.4%); highest among the groups gnomAD compares: Non-Finnish European, 0.31%; 139 homozygotes.

Submissions (8):

CeGaT Center for Human Genetics Tuebingen
Classification: Likely benign. Last evaluated: 2026-09-01. Review status: criteria provided, single submitter. Criteria: CeGaT Center For Human Genetics Tuebingen Variant Classification Criteria Version 2. Collection method: clinical testing. Allele origin: germline. Affected: yes. Observed: 4 variant alleles.
Comment: CATSPER2: BS2

Dr. Peter K. Rogan Lab, Western University
No classification provided (evidence only). Condition: Malignant tumor of urinary bladder. Review status: no classification provided. Collection method: in vitro. Allele origin: not applicable. Functional consequence: retained intron. Not counted in ClinVar's aggregate classification.

Dr. Peter K. Rogan Lab, Western University
No classification provided (evidence only). Condition: Melanoma. Review status: no classification provided. Collection method: in vitro. Allele origin: not applicable. Functional consequence: retained intron. Not counted in ClinVar's aggregate classification.

Dr. Peter K. Rogan Lab, Western University
No classification provided (evidence only). Condition: Cervical cancer. Review status: no classification provided. Collection method: in vitro. Allele origin: not applicable. Functional consequence: cryptic splice site. Not counted in ClinVar's aggregate classification.

Dr. Peter K. Rogan Lab, Western University
No classification provided (evidence only). Condition: Nonpapillary renal cell carcinoma. Review status: no classification provided. Collection method: in vitro. Allele origin: not applicable. Functional consequence: cryptic splice site. Not counted in ClinVar's aggregate classification.

Dr. Peter K. Rogan Lab, Western University
No classification provided (evidence only). Condition: Ovarian serous cystadenocarcinoma. Review status: no classification provided. Collection method: in vitro. Allele origin: not applicable. Functional consequence: retained intron. Not counted in ClinVar's aggregate classification.

Dr. Peter K. Rogan Lab, Western University
No classification provided (evidence only). Condition: Gastric cancer. Review status: no classification provided. Collection method: in vitro. Allele origin: not applicable. Functional consequence: retained intron. Not counted in ClinVar's aggregate classification.

Dr. Peter K. Rogan Lab, Western University
No classification provided (evidence only). Condition: Gastric cancer. Review status: no classification provided. Collection method: in vitro. Allele origin: not applicable. Functional consequence: retained intron. Not counted in ClinVar's aggregate classification.